The following is an entry in ClinVar:

NM_000321.3(RB1):c.411A>T (p.Glu137Asp)

Gene: RB1 (RB transcriptional corepressor 1; plus strand). Cytogenetic location: 13q14.2.
Variant type: single nucleotide variant.
Coding change: c.411A>T on transcript NM_000321.3 (MANE Select); coding-DNA position 411, A replaced by T.
Protein change: p.Glu137Asp; replaces glutamic acid 137 with aspartic acid.
Molecular consequence: missense variant.
Genome position (GRCh38, 1-based): chr13:48,345,110, A>T. VCF-style: chr13-48345110-A-T. GRCh37 (hg19) VCF-style: chr13-48919246-A-T.
Other names: short protein forms E137D.
Identifiers: ClinVar variation 41684 (VCV000041684.55), dbSNP rs3092902, ClinGen allele CA026455.

ClinVar aggregate classification (germline): Benign/Likely benign. Review status: criteria provided, multiple submitters, no conflicts (2 of 4 stars). 16 submissions from 16 submitters: Benign (4); Likely benign (10). 2 of the submissions do not count toward it. Last evaluated 2026-06-18.

Conditions:
RB1-related disorder. Also called: RB1-related condition.
Hereditary cancer-predisposing syndrome. Also called: Tumor predisposition; Neoplastic Syndromes, Hereditary; Hereditary Cancer Syndrome; Hereditary neoplastic syndrome. Identifiers: Orphanet 140162, MedGen C0027672, MeSH D009386, MONDO:0015356.
Small cell lung carcinoma. Also called: Small cell lung cancer; SMALL CELL CANCER OF THE LUNG, SOMATIC; Lung oat cell carcinoma. Identifiers: Orphanet 70573, MedGen C0149925, MeSH D055752, MONDO:0008433, OMIM 182280, HP:0030357.
Retinoblastoma (RB1). Also called: RETINOBLASTOMA, SOMATIC. Identifiers: Orphanet 790, MedGen C0035335, MeSH D012175, MONDO:0008380, OMIM 180200, HP:0009919. Disease mechanism: loss of function. Inheritance: Both sporadic and heritable forms are tested..
Malignant tumor of urinary bladder. Also called: Bladder cancer; Urinary Bladder Neoplasms; Urinary bladder cancer. Identifiers: MedGen C0005684, MONDO:0001187, OMIM 109800.
Bone osteosarcoma. Also called: Osteosarcoma, somatic. Identifiers: Orphanet 668, MedGen C0585442, MONDO:0002629, OMIM 259500.

Allele frequency attached by ClinVar (database versions not stated): gnomAD exomes 0.00073 and 0.00034; ESP Exome Variant Server 0.00069; TOPMed 0.00033; gnomAD 0.00040; ExAC 0.00042.
gnomAD v4.1: 1,103 of 1,612,608 alleles (0.068%); highest among the groups gnomAD compares: Non-Finnish European, 0.09%; 1 homozygote.

Submissions (16):

Myriad Genetics, Inc.
Classification: Likely benign for Retinoblastoma. Last evaluated: 2026-06-18. Review status: criteria provided, single submitter. Criteria: Myriad Autosomal Dominant, Autosomal Recessive and X-Linked Classification Criteria (2023). Collection method: clinical testing. Allele origin: unknown.
Comment: This variant is considered likely benign. This variant has been observed at a population frequency that is significantly greater than expected given the associated disease prevalence and penetrance.

Labcorp Genetics (formerly Invitae), Labcorp
Classification: Benign for Retinoblastoma. Last evaluated: 2026-02-03. Review status: criteria provided, single submitter. Criteria: Invitae Variant Classification Sherloc (09022015). Collection method: clinical testing. Allele origin: germline.

CeGaT Center for Human Genetics Tuebingen
Classification: Likely benign. Last evaluated: 2025-05-01. Review status: criteria provided, single submitter. Criteria: CeGaT Center For Human Genetics Tuebingen Variant Classification Criteria Version 2. Collection method: clinical testing. Allele origin: germline. Affected: yes. Observed: 3 variant alleles.
Comment: RB1: BP4

Laboratory of Genetics, Children's Clinical University Hospital Latvia
Classification: Likely benign. Last evaluated: 2025-02-16. Review status: criteria provided, single submitter. Criteria: ACMG Guidelines, 2015. Collection method: clinical testing. Allele origin: germline. Affected: yes.

Department of Pathology and Laboratory Medicine, Sinai Health System
Classification: Likely benign for Malignant tumor of urinary bladder; Retinoblastoma; Small cell lung carcinoma; Bone osteosarcoma. Last evaluated: 2025-02-11. Review status: criteria provided, single submitter. Criteria: ACMG Guidelines, 2015. Collection method: clinical testing. Allele origin: germline.

Molecular Pathology, Peter Maccallum Cancer Centre
Classification: Likely benign for Retinoblastoma. Last evaluated: 2024-12-30. Review status: criteria provided, single submitter. Criteria: ACMG Guidelines, 2015. Collection method: clinical testing. Allele origin: germline. Inheritance: Autosomal dominant inheritance.

Genetic Diagnostic Laboratory, University of Pennsylvania School of Medicine
Classification: Likely benign for Retinoblastoma. Last evaluated: 2024-05-20. Review status: criteria provided, single submitter. Criteria: ACMG Guidelines, 2015. Collection method: clinical testing. Allele origin: germline. Affected: yes. Observed: 1 variant allele.
Comment: Case and Pedigree Information: BILATERAL CASES:0, UNILATERAL CASES:1, TOTAL CASES:1, PEDIGREES:1. ACMG Codes Applied:BS1, BP6

Mendelics
Classification: Benign. Last evaluated: 2022-12-13. Review status: criteria provided, single submitter. Criteria: Mendelics Assertion Criteria 2017. Collection method: clinical testing. Allele origin: unknown.

Color Diagnostics, LLC DBA Color Health
Classification: Benign for Retinoblastoma. Last evaluated: 2022-04-26. Review status: criteria provided, single submitter. Criteria: ACMG Guidelines, 2015. Collection method: clinical testing. Allele origin: germline.

GeneDx
Classification: Likely benign. Last evaluated: 2021-03-22. Review status: criteria provided, single submitter. Criteria: GeneDx Variant Classification Process June 2021. Collection method: clinical testing. Allele origin: germline. Affected: yes.
Comment: This variant is associated with the following publications: (PMID: 27153395, 15776430, 9311732, 15884040, 26933808, 25742471, 23810757, 27600092, 16546179, 20596833, 7981694, 7795591, 22703879, 17996702, 8364580)

Sema4
Classification: Likely benign for Hereditary cancer-predisposing syndrome. Last evaluated: 2020-10-21. Review status: criteria provided, single submitter. Criteria: Sema4 Curation Guidelines. Collection method: curation. Allele origin: germline.

ARUP Laboratories, Molecular Genetics and Genomics, ARUP Laboratories
Classification: Likely benign. Last evaluated: 2020-04-07. Review status: criteria provided, single submitter. Criteria: ARUP Molecular Germline Variant Investigation Process. Collection method: clinical testing. Allele origin: germline.

Illumina Laboratory Services, Illumina
Classification: Benign for Retinoblastoma. Last evaluated: 2018-10-09. Review status: criteria provided, single submitter. Criteria: ICSL Variant Classification Criteria 13 December 2019. Collection method: clinical testing. Allele origin: germline.
Comment: This variant was observed as part of a predisposition screen in an ostensibly healthy population. A literature search was performed for the gene, cDNA change, and amino acid change (where applicable). Publications were found based on this search. The evidence from the literature, in combination with allele frequency data from public databases where available, was sufficient to rule this variant out of causing disease. Therefore, this variant is classified as benign.

Ambry Genetics
Classification: Likely benign for Hereditary cancer-predisposing syndrome. Last evaluated: 2018-08-27. Review status: criteria provided, single submitter. Criteria: Ambry Variant Classification Scheme 2023. Collection method: clinical testing. Allele origin: germline.

PreventionGenetics, part of Exact Sciences
Classification: Likely benign for RB1-related condition. Last evaluated: 2021-11-16. Review status: no assertion criteria provided. Collection method: clinical testing. Allele origin: germline. Not counted in ClinVar's aggregate classification.
Comment: This variant is classified as likely benign based on ACMG/AMP sequence variant interpretation guidelines (Richards et al. 2015 PMID: 25741868, with internal and published modifications).

Biesecker Lab/Clinical Genomics Section, National Institutes of Health
Classification: Uncertain significance. Last evaluated: 2012-07-13. Review status: no assertion criteria provided. Collection method: research. Allele origin: germline. Affected: no. Observed: 1 variant allele. Study: ClinSeq. Not counted in ClinVar's aggregate classification.
ClinVar note: Converted during submission from variant of unknown significance to Uncertain significance.

Literature cited by the submitters: PubMed 15884040 (cited by Illumina Laboratory Services, Illumina); PubMed 8364580 (cited by Illumina Laboratory Services, Illumina and Ambry Genetics); PubMed 20596833 (cited by Illumina Laboratory Services, Illumina); PubMed 7795591 (cited by Illumina Laboratory Services, Illumina); PubMed 9311732 (cited by Illumina Laboratory Services, Illumina and Ambry Genetics); PubMed 27153395 (cited by Illumina Laboratory Services, Illumina and Ambry Genetics); PubMed 15776430 (cited by Ambry Genetics).